The following is an entry in ClinVar:

NM_004006.3(DMD):c.3433G>A (p.Val1145Ile)

Gene: DMD (dystrophin; minus strand). Cytogenetic location: Xp21.1.
Variant type: single nucleotide variant.
Coding change: c.3433G>A on transcript NM_004006.3 (MANE Select); coding-DNA position 3433, G replaced by A.
Protein change: p.Val1145Ile; replaces valine 1145 with isoleucine.
Molecular consequence: missense variant.
Genome position (GRCh38, 1-based): chrX:32,454,832, C>T on the plus strand (G>A on the coding strand, the complement: DMD is on the minus strand). VCF-style: chrX-32454832-C-T. GRCh37 (hg19) VCF-style: chrX-32472949-C-T.
Other names: c.3409G>A, p.Val1137Ile (NM_000109.4); c.3421G>A, p.Val1141Ile (NM_004009.3); c.3064G>A, p.Val1022Ile (NM_004010.3); short protein forms V1022I, V1145I, V1137I, V1141I.
Identifiers: ClinVar variation 1424721 (VCV001424721.6), dbSNP rs767442827, ClinGen allele CA412663406.

ClinVar aggregate classification (germline): Uncertain significance (1 of 4 stars; one submission).

Conditions:
Duchenne muscular dystrophy (DMD). Also called: MUSCULAR DYSTROPHY, PSEUDOHYPERTROPHIC PROGRESSIVE, DUCHENNE TYPE; Duchenne Muscular Dystrophy (DMD). Identifiers: Orphanet 98896, MedGen C0013264, MONDO:0010679, OMIM 310200.

Submission:

Labcorp Genetics (formerly Invitae), Labcorp
Classification: Uncertain significance for Duchenne muscular dystrophy. Last evaluated: 2021-11-06. Review status: criteria provided, single submitter. Criteria: Invitae Variant Classification Sherloc (09022015). Collection method: clinical testing. Allele origin: germline.
Comment: In summary, the available evidence is currently insufficient to determine the role of this variant in disease. Therefore, it has been classified as a Variant of Uncertain Significance. Algorithms developed to predict the effect of sequence changes on RNA splicing suggest that this variant may disrupt the consensus splice site. Algorithms developed to predict the effect of missense changes on protein structure and function are either unavailable or do not agree on the potential impact of this missense change (SIFT: "Tolerated"; PolyPhen-2: "Probably Damaging"; Align-GVGD: "Class C0"). This variant has not been reported in the literature in individuals affected with DMD-related conditions. This variant is not present in population databases (gnomAD no frequency). This sequence change replaces valine, which is neutral and non-polar, with isoleucine, which is neutral and non-polar, at codon 1145 of the DMD protein (p.Val1145Ile).